The following is an entry in ClinVar:

ClinVar aggregate classification (germline): Benign (1 of 4 stars; one submission).

Conditions:
Pitt-Hopkins-like syndrome 2 (PTHSL2). Identifiers: Orphanet 221150, Orphanet 600663, MedGen C3280479, MONDO:0013690, OMIM 614325.

Allele frequency attached by ClinVar (database versions not stated): gnomAD 0.00531 and 0.00580; 1000 Genomes Project 0.00599; TOPMed 0.00607; 1000 Genomes Project 30x 0.00625.

Submission:

Illumina Laboratory Services, Illumina
Classification: Benign for Pitt-Hopkins-like syndrome 2. Last evaluated: 2018-01-13. Review status: criteria provided, single submitter. Criteria: ICSL Variant Classification Criteria 13 December 2019. Collection method: clinical testing. Allele origin: germline.
Comment: This variant was observed in the ICSL laboratory as part of a predisposition screen in an ostensibly healthy population. It had not been previously curated by ICSL or reported in the Human Gene Mutation Database (HGMD: prior to June 1st, 2018), and was therefore a candidate for classification through an automated scoring system. Utilizing variant allele frequency, disease prevalence and penetrance estimates, and inheritance mode, an automated score was calculated to assess if this variant is too frequent to cause the disease. Based on the score and internal cut-off values, a variant classified as benign is not then subjected to further curation. The score for this variant resulted in a classification of benign for this disease.

NM_001330078.2(NRXN1):c.*2372G>A

Gene: NRXN1 (neurexin 1; minus strand). Cytogenetic location: 2p16.3.
Variant type: single nucleotide variant.
Coding change: c.*2372G>A on transcript NM_001330078.2 (MANE Select); 2372 bases downstream of the stop codon, G replaced by A.
Molecular consequence: 3 prime UTR variant.
Genome position (GRCh38, 1-based): chr2:49,919,572, C>T on the plus strand (G>A on the coding strand, the complement: NRXN1 is on the minus strand). VCF-style: chr2-49919572-C-T. GRCh37 (hg19) VCF-style: chr2-50146710-C-T.
Other names: c.*2372G>A (NM_001135659.3, NM_001320156.4, NM_001320157.4 and 17 more transcripts).
Identifiers: ClinVar variation 336511 (VCV000336511.5), dbSNP rs116370948, ClinGen allele CA10614092.